The following is an entry in ClinVar:

NM_172364.5(CACNA2D4):c.1980C>G (p.Ile660Met)

Gene: CACNA2D4 (calcium voltage-gated channel auxiliary subunit alpha2delta 4; minus strand). Cytogenetic location: 12p13.33.
Variant type: single nucleotide variant.
Coding change: c.1980C>G on transcript NM_172364.5 (MANE Select); coding-DNA position 1980, C replaced by G.
Protein change: p.Ile660Met; replaces isoleucine 660 with methionine.
Molecular consequence: missense variant.
Genome position (GRCh38, 1-based): chr12:1,858,605, G>C on the plus strand (C>G on the coding strand, the complement: CACNA2D4 is on the minus strand). VCF-style: chr12-1858605-G-C. GRCh37 (hg19) VCF-style: chr12-1967771-G-C.
Other names: c.1980C>G (NM_172364.4); short protein forms I660M.
Identifiers: ClinVar variation 2084063 (VCV002084063.5), dbSNP rs765168843, ClinGen allele CA6386906.

ClinVar aggregate classification (germline): Uncertain significance. Review status: criteria provided, multiple submitters, no conflicts (2 of 4 stars). 2 submissions from 2 submitters: Uncertain significance (2). Last evaluated 2025-09-26.

Conditions:
Inborn genetic diseases. Identifiers: MedGen C0950123, MeSH D030342.

Allele frequency attached by ClinVar (database versions not stated): ExAC 0.00002.
gnomAD v4.1: 4 of 1,612,872 alleles (0.00025%); highest among the groups gnomAD compares: Admixed American, 0.0067%; no homozygotes.

Submissions (2):

Ambry Genetics
Classification: Uncertain significance for Inborn genetic diseases. Last evaluated: 2025-09-26. Review status: criteria provided, single submitter. Criteria: Ambry Variant Classification Scheme 2023. Collection method: clinical testing. Allele origin: germline.

Labcorp Genetics (formerly Invitae), Labcorp
Classification: Uncertain significance. Last evaluated: 2022-08-05. Review status: criteria provided, single submitter. Criteria: Invitae Variant Classification Sherloc (09022015). Collection method: clinical testing. Allele origin: germline.
Comment: In summary, the available evidence is currently insufficient to determine the role of this variant in disease. Therefore, it has been classified as a Variant of Uncertain Significance. Algorithms developed to predict the effect of missense changes on protein structure and function (SIFT, PolyPhen-2, Align-GVGD) all suggest that this variant is likely to be tolerated. This variant has not been reported in the literature in individuals affected with CACNA2D4-related conditions. This variant is present in population databases (rs765168843, gnomAD 0.01%). This sequence change replaces isoleucine, which is neutral and non-polar, with methionine, which is neutral and non-polar, at codon 660 of the CACNA2D4 protein (p.Ile660Met).